The following is an entry in ClinVar:

NM_015346.4(ZFYVE26):c.5102_5103del (p.Leu1701fs)

Gene: ZFYVE26 (zinc finger FYVE-type containing 26; minus strand). Cytogenetic location: 14q24.1.
Variant type: Microsatellite.
Coding change: c.5102_5103del on transcript NM_015346.4 (MANE Select); coding-DNA positions 5102 to 5103, 2 bases deleted (TC; older notation c.5102_5103delTC).
Protein change: p.Leu1701fs; shifts the reading frame from leucine 1701.
Molecular consequence: frameshift variant.
Genome position (GRCh38, 1-based): chr14:67,775,978-67,775,979, GA deleted on the plus strand (TC on the coding strand, the reverse complement: ZFYVE26 is on the minus strand); deleting any 2 consecutive bases within chr14:67,775,978-67,775,982 gives the same sequence; the c. name uses the placement nearest the transcript's 3' end. VCF-style (leftmost placement, unchanged base first): chr14-67775977-GGA-G. GRCh37 (hg19) VCF-style: chr14-68242694-GGA-G.
Other names: p. Leu1701ProfsTer60; short protein forms L1701fs.
Identifiers: ClinVar variation 4759351 (VCV004759351.1).

ClinVar aggregate classification (germline): Likely pathogenic (1 of 4 stars; one submission).

Conditions:
Hereditary spastic paraplegia 15 (SPG15). Also called: SPASTIC PARAPLEGIA AND RETINAL DEGENERATION; SPASTIC PARAPLEGIA 15, AUTOSOMAL RECESSIVE; KJELLIN SYNDROME. Identifiers: Orphanet 100996, MedGen C1849128, MONDO:0010044, OMIM 270700.

Submission:

Department of Medical Genetics, Sanjay Gandhi Post Graduate Institute of Medical Sciences
Classification: Likely pathogenic for Hereditary spastic paraplegia 15. Review status: criteria provided, single submitter. Criteria: ACMG Guidelines, 2015. Collection method: research. Allele origin: germline. Inheritance: Autosomal recessive inheritance. Affected: yes. Observed: 1 homozygote.